The following is an entry in ClinVar:

ClinVar aggregate classification (germline): Likely pathogenic (1 of 4 stars; one submission).

Conditions:
Rienhoff syndrome. Also called: LOEYS-DIETZ SYNDROME 5. Identifiers: MedGen C3810012, MONDO:0014262, OMIM 615582.

Submission:

Labcorp Genetics (formerly Invitae), Labcorp
Classification: Likely pathogenic for Rienhoff syndrome. Last evaluated: 2024-08-03. Review status: criteria provided, single submitter. Criteria: Invitae Variant Classification Sherloc (09022015). Collection method: clinical testing. Allele origin: germline.
Comment: This sequence change affects an acceptor splice site in intron 4 of the TGFB3 gene. It is expected to disrupt RNA splicing. Variants that disrupt the donor or acceptor splice site typically lead to a loss of protein function (PMID: 16199547), and loss-of-function variants in TGFB3 are known to be pathogenic (PMID: 25835445, 26188975). This variant is not present in population databases (gnomAD no frequency). This variant has not been reported in the literature in individuals affected with TGFB3-related conditions. ClinVar contains an entry for this variant (Variation ID: 1952664). Algorithms developed to predict the effect of sequence changes on RNA splicing suggest that this variant may disrupt the consensus splice site. In summary, the currently available evidence indicates that the variant is pathogenic, but additional data are needed to prove that conclusively. Therefore, this variant has been classified as Likely Pathogenic.

Literature cited by the submitters: PubMed 16199547; PubMed 25835445; PubMed 26188975.

NM_003239.5(TGFB3):c.755-1G>A

Gene: TGFB3 (transforming growth factor beta 3; minus strand). Cytogenetic location: 14q24.3.
Variant type: single nucleotide variant.
Coding change: c.755-1G>A on transcript NM_003239.5 (MANE Select); the canonical splice acceptor site of the intron before coding-DNA position 755, G replaced by A.
Molecular consequence: splice acceptor variant.
Genome position (GRCh38, 1-based): chr14:75,963,488, C>T on the plus strand (G>A on the coding strand, the complement: TGFB3 is on the minus strand). VCF-style: chr14-75963488-C-T. GRCh37 (hg19) VCF-style: chr14-76429831-C-T.
Other names: c.755-1G>A (NM_001329938.2, NM_001329939.2).
Identifiers: ClinVar variation 1952664 (VCV001952664.5), dbSNP rs1566679646, ClinGen allele CA390468777.